The following is an entry in ClinVar:

ClinVar aggregate classification (germline): Uncertain significance (1 of 4 stars; one submission).

Conditions:
Long QT syndrome (LQTS). Identifiers: MedGen C0023976, MeSH D008133, MONDO:0002442. Disease mechanism: loss of function. Inheritance: Various modes of inheritance.

Submission:

Labcorp Genetics (formerly Invitae), Labcorp
Classification: Uncertain significance for Long QT syndrome. Last evaluated: 2024-12-25. Review status: criteria provided, single submitter. Criteria: Invitae Variant Classification Sherloc (09022015). Collection method: clinical testing. Allele origin: germline.
Comment: This sequence change creates a premature translational stop signal (p.Gly105Alafs*34) in the SNTA1 gene. It is expected to result in an absent or disrupted protein product. However, the current clinical and genetic evidence is not sufficient to establish whether loss-of-function variants in SNTA1 cause disease. This variant is not present in population databases (gnomAD no frequency). This variant has not been reported in the literature in individuals affected with SNTA1-related conditions. In summary, the available evidence is currently insufficient to determine the role of this variant in disease. Therefore, it has been classified as a Variant of Uncertain Significance.

NM_003098.3(SNTA1):c.314del (p.Gly105fs)

Gene: SNTA1 (syntrophin alpha 1; minus strand). Cytogenetic location: 20q11.21.
Variant type: Deletion.
Coding change: c.314del on transcript NM_003098.3 (MANE Select); coding-DNA position 314, one base deleted (G; older notation c.314delG).
Protein change: p.Gly105fs; shifts the reading frame from glycine 105.
Molecular consequence: frameshift variant.
Genome position (GRCh38, 1-based): chr20:33,439,023, C deleted on the plus strand (G on the coding strand, the reverse complement: SNTA1 is on the minus strand); the first of 2 consecutive C bases (chr20:33,439,023-33,439,024); deleting either gives the same sequence. VCF-style (leftmost placement, unchanged base first): chr20-33439022-GC-G. GRCh37 (hg19) VCF-style: chr20-32026828-GC-G.
Other names: c.314del, p.Gly105fs (NM_001424413.1, NM_001424414.1); short protein forms G105fs.
Identifiers: ClinVar variation 3728061 (VCV003728061.2).
Genomic context (GRCh38, chr20:33,439,022, plus strand): 5'-CTGGTCAGCTGCCAATCCCTTGAAGATCTTGGAAATGAGAATAGGCATCTTGTTCTCCCG[GC>G]CGCCTGCACAGGTACAGAAGGAGGACAAGACTTAGGCAGATACTCCAACACTTGGGAGTC-3'